The following is an entry in ClinVar:

ClinVar aggregate classification (germline): Pathogenic/Likely pathogenic. Review status: criteria provided, multiple submitters, no conflicts (2 of 4 stars). 2 submissions from 2 submitters: Pathogenic (1); Likely pathogenic (1). Last evaluated 2022-04-06.

Conditions:
Severe myoclonic epilepsy in infancy (DRVT). Also called: SEVERE MYOCLONIC EPILEPSY OF INFANCY; DEVELOPMENTAL AND EPILEPTIC ENCEPHALOPATHY 6A; Dravet syndrome; Epileptic encephalopathy, early infantile, 6 (Dravet syndrome); Severe Myoclonic Epilepsy in Infancy (SMEI). Identifiers: Orphanet 33069, MedGen C0751122, MONDO:0100135, OMIM 607208.
Early-infantile DEE. Also called: Ohtahara syndrome; Early infantile epileptic encephalopathy; Early infantile epileptic encephalopathy with suppression bursts. Identifiers: Orphanet 1934, MedGen C0393706, MONDO:0800491.

Submissions (2):

Labcorp Genetics (formerly Invitae), Labcorp
Classification: Pathogenic for Early-infantile DEE. Last evaluated: 2022-04-06. Review status: criteria provided, single submitter. Criteria: Invitae Variant Classification Sherloc (09022015). Collection method: clinical testing. Allele origin: germline.
Comment: This sequence change replaces leucine, which is neutral and non-polar, with phenylalanine, which is neutral and non-polar, at codon 991 of the SCN1A protein (p.Leu991Phe). This variant is not present in population databases (gnomAD no frequency). This missense change has been observed in individual(s) with Dravet syndrome (PMID: 31864146). In at least one individual the variant was observed to be de novo. This variant is also known as p.Leu990Phe. ClinVar contains an entry for this variant (Variation ID: 861493). Advanced modeling of protein sequence and biophysical properties (such as structural, functional, and spatial information, amino acid conservation, physicochemical variation, residue mobility, and thermodynamic stability) performed at Invitae indicates that this missense variant is expected to disrupt SCN1A protein function. For these reasons, this variant has been classified as Pathogenic.

3billion
Classification: Likely pathogenic for Severe myoclonic epilepsy in infancy. Last evaluated: 2022-01-03. Review status: criteria provided, single submitter. Criteria: ACMG Guidelines, 2015. Collection method: clinical testing. Allele origin: germline. Affected: yes. Observed: 1 heterozygote.
Comment: The variant has been previously reported as de novo in a similarly affected individual (PS2_S). Same nucleotide change resulting in same amino acid change has been previously reported to be associated with SCN1A related disorder (PMID:31864146, PS1_P). In silico tool predictions suggest damaging effect of the variant on gene or gene product (REVEL: 0.882, 3CNET: 0.987, PP3_P). It is not observed in the gnomAD v2.1.1 dataset (PM2_M). Therefore, this variant is classified as likely pathogenic according to the recommendation of ACMG/AMP guideline.

Literature cited by the submitters: PubMed 31864146 (cited by Labcorp Genetics (formerly Invitae), Labcorp and 3billion).

NM_001165963.4(SCN1A):c.2971C>T (p.Leu991Phe)

Gene: SCN1A (sodium voltage-gated channel alpha subunit 1; minus strand). Cytogenetic location: 2q24.3.
Variant type: single nucleotide variant.
Coding change: c.2971C>T on transcript NM_001165963.4 (MANE Select); coding-DNA position 2971, C replaced by T.
Protein change: p.Leu991Phe; replaces leucine 991 with phenylalanine.
Molecular consequence: missense variant. On other transcripts: non-coding transcript variant (1).
Genome position (GRCh38, 1-based): chr2:166,036,506, G>A on the plus strand (C>T on the coding strand, the complement: SCN1A is on the minus strand). VCF-style: chr2-166036506-G-A. GRCh37 (hg19) VCF-style: chr2-166893016-G-A.
Other names: c.2887C>T, p.Leu963Phe (NM_001165964.3, NM_001353957.2, NM_001353958.2); c.2971C>T, p.Leu991Phe (NM_001202435.3, NM_001353948.2); c.2938C>T, p.Leu980Phe (NM_001353949.2, NM_001353950.2, NM_001353951.2 and 2 more transcripts); c.2935C>T, p.Leu979Phe (NM_001353954.2, NM_001353955.2); c.2884C>T, p.Leu962Phe (NM_001353960.2); c.529C>T, p.Leu177Phe (NM_001353961.2); short protein forms L177F, L980F, L991F, L962F, L963F, L979F.
Identifiers: ClinVar variation 861493 (VCV000861493.16), dbSNP rs1696401617, ClinGen allele CA349060579.